The following is an entry in ClinVar:

ClinVar aggregate classification (germline): Conflicting classifications of pathogenicity. Review status: criteria provided, conflicting classifications (1 of 4 stars). 8 submissions from 8 submitters: Uncertain significance (6); Likely benign (2). Last evaluated 2025-08-13.

Conditions:
Breast-ovarian cancer, familial, susceptibility to, 5 (BROVCA5). Identifiers: MedGen C5830615, MONDO:0957530, OMIM 620442.
Hereditary cancer-predisposing syndrome. Also called: Tumor predisposition; Hereditary neoplastic syndrome; Hereditary Cancer Syndrome; Neoplastic Syndromes, Hereditary. Identifiers: Orphanet 140162, MedGen C0027672, MeSH D009386, MONDO:0015356.
Familial cancer of breast. Also called: hereditary breast carcinoma; BREAST CANCER, FAMILIAL; Hereditary breast cancer. Identifiers: Orphanet 227535, MedGen C0346153, MONDO:0016419, OMIM 114480. Disease mechanism: loss of function.

Allele frequency attached by ClinVar (database versions not stated): ExAC 0.00001; gnomAD exomes 0.00001; TOPMed 0.00001.
gnomAD v4.1: 3 of 1,614,188 alleles (0.00019%); highest among the groups gnomAD compares: Admixed American, 0.0033%; no homozygotes.

Submissions (8):

Color Diagnostics, LLC DBA Color Health
Classification: Uncertain significance for Hereditary cancer-predisposing syndrome. Last evaluated: 2025-08-13. Review status: criteria provided, single submitter. Criteria: ACMG Guidelines, 2015. Collection method: clinical testing. Allele origin: germline.
Comment: This missense variant replaces aspartic acid with tyrosine at codon 893 of the PALB2 protein. Computational prediction suggests that this variant may not impact protein structure and function. To our knowledge, functional studies have not been reported for this variant. This variant has not been reported in individuals affected with PALB2-related disorders in the literature. This variant has been identified in 2/251490 chromosomes in the general population by the Genome Aggregation Database (gnomAD). The available evidence is insufficient to determine the role of this variant in disease conclusively. Therefore, this variant is classified as a Variant of Uncertain Significance.

Labcorp Genetics (formerly Invitae), Labcorp
Classification: Uncertain significance for Familial cancer of breast. Last evaluated: 2025-07-25. Review status: criteria provided, single submitter. Criteria: Invitae Variant Classification Sherloc (09022015). Collection method: clinical testing. Allele origin: germline.
Comment: This sequence change replaces aspartic acid, which is acidic and polar, with tyrosine, which is neutral and polar, at codon 893 of the PALB2 protein (p.Asp893Tyr). This variant is present in population databases (rs765077104, gnomAD 0.006%). This variant has not been reported in the literature in individuals affected with PALB2-related conditions. ClinVar contains an entry for this variant (Variation ID: 410135). Invitae Evidence Modeling of protein sequence and biophysical properties (such as structural, functional, and spatial information, amino acid conservation, physicochemical variation, residue mobility, and thermodynamic stability) indicates that this missense variant is not expected to disrupt PALB2 protein function with a negative predictive value of 80%. RNA analysis performed to evaluate the impact of this missense change on mRNA splicing indicates it does not significantly alter splicing (internal data). In summary, the available evidence is currently insufficient to determine the role of this variant in disease. Therefore, it has been classified as a Variant of Uncertain Significance.

CeGaT Center for Human Genetics Tuebingen
Classification: Likely benign. Last evaluated: 2025-02-01. Review status: criteria provided, single submitter. Criteria: CeGaT Center For Human Genetics Tuebingen Variant Classification Criteria Version 2. Collection method: clinical testing. Allele origin: germline. Affected: yes. Observed: 1 variant allele.
Comment: PALB2: PM2:Supporting, BP1, BP4

KCCC/NGS Laboratory, Kuwait Cancer Control Center
Classification: Uncertain significance for Breast-ovarian cancer, familial, susceptibility to, 5. Last evaluated: 2024-04-03. Review status: criteria provided, single submitter. Criteria: ACMG Guidelines, 2015. Collection method: clinical testing. Allele origin: germline. Inheritance: Autosomal dominant inheritance. Affected: yes. Observed: 1 heterozygote.
Comment: This sequence change replaces aspartic acid, which is acidic and polar, with tyrosine, which is neutral and polar, at codon 893 of the PALB2 protein (p.Asp893Tyr). This variant is present in population databases (rs765077104, gnomAD 0.006%). This variant has not been reported in the literature in individuals affected with PALB2-related conditions. ClinVar contains an entry for this variant (Variation ID: 410135). Computational prediction suggests that this variant may not impact protein structure and function. Functional studies have not been reported for this variant.. In summary, The available evidence is currently insufficient to determine the role of this variant in disease. Therefore, it has been classified as a Variant of Uncertain Significance.

Baylor Genetics
Classification: Uncertain significance for Familial cancer of breast. Last evaluated: 2024-03-25. Review status: criteria provided, single submitter. Criteria: ACMG Guidelines, 2015. Collection method: clinical testing. Allele origin: unknown.

MGZ Medical Genetics Center
Classification: Uncertain significance for Familial cancer of breast. Last evaluated: 2022-04-19. Review status: criteria provided, single submitter. Criteria: ACMG Guidelines, 2015. Collection method: clinical testing. Allele origin: germline. Affected: yes. Observed: 1 variant allele.
Comment: ACMG criteria applied: PM2_SUP, BP4

Sema4
Classification: Uncertain significance for Hereditary cancer-predisposing syndrome. Last evaluated: 2021-11-27. Review status: criteria provided, single submitter. Criteria: Sema4 Curation Guidelines. Collection method: curation. Allele origin: germline.
Comment: The PALB2 c.2677G>T (p.D893Y) variant has not been reported in the literature to our knowledge. It was observed in 1/3452 chromosomes of the Latino/Admixed American subpopulation in the large and broad cohorts of the Genome Aggregation Database. This variant has been reported in ClinVar (Variation ID 410135). In silico tools suggest the impact of the variant on protein function is benign, though these predictions have not been confirmed by functional studies. The evidence is insufficient to meet ACMG/AMP criteria for classifying the variant as benign or pathogenic. Thus, the clinical significance of this variant is currently uncertain.

Ambry Genetics
Classification: Likely benign for Hereditary cancer-predisposing syndrome. Last evaluated: 2019-09-20. Review status: criteria provided, single submitter. Criteria: Ambry Variant Classification Scheme 2023. Collection method: clinical testing. Allele origin: germline.

NM_024675.4(PALB2):c.2677G>T (p.Asp893Tyr)

Gene: PALB2 (partner and localizer of BRCA2; minus strand). Cytogenetic location: 16p12.2.
Variant type: single nucleotide variant.
Coding change: c.2677G>T on transcript NM_024675.4 (MANE Select); coding-DNA position 2677, G replaced by T.
Protein change: p.Asp893Tyr; replaces aspartic acid 893 with tyrosine.
Molecular consequence: missense variant.
Genome position (GRCh38, 1-based): chr16:23,626,307, C>A on the plus strand (G>T on the coding strand, the complement: PALB2 is on the minus strand). VCF-style: chr16-23626307-C-A. GRCh37 (hg19) VCF-style: chr16-23637628-C-A.
Other names: short protein forms D893Y.
Identifiers: ClinVar variation 410135 (VCV000410135.36), dbSNP rs765077104, ClinGen allele CA7963508.
Genomic context (GRCh38, chr16:23,626,307, plus strand): 5'-GCCAGGTATAAAGTTTTTCCCACTGCCAAGCATCCAGAGCTTTCCAAAGAGAAACTACAT[C>A]TTCGCAAGCAGTTATGATACATGGCTCTTTACAACCGGCTCTTTCCCAAAACATGGCACT-3'
Protein context (NP_078951.2, residues 883-903): KEPCIITACE[Asp893Tyr]VVSLWKALDA